The following is an entry in ClinVar:

NM_003906.5(MCM3AP):c.1622G>A (p.Gly541Asp)

Gene: MCM3AP (minichromosome maintenance complex component 3 associated protein; minus strand). Cytogenetic location: 21q22.3.
Variant type: single nucleotide variant.
Coding change: c.1622G>A on transcript NM_003906.5 (MANE Select); coding-DNA position 1622, G replaced by A.
Protein change: p.Gly541Asp; replaces glycine 541 with aspartic acid.
Molecular consequence: missense variant.
Genome position (GRCh38, 1-based): chr21:46,280,038, C>T on the plus strand (G>A on the coding strand, the complement: MCM3AP is on the minus strand). VCF-style: chr21-46280038-C-T. GRCh37 (hg19) VCF-style: chr21-47699952-C-T.
Other names: short protein forms G541D.
Identifiers: ClinVar variation 1380451 (VCV001380451.8), dbSNP rs773664970, ClinGen allele CA10077035.

ClinVar aggregate classification (germline): Uncertain significance (1 of 4 stars; one submission).

Allele frequency attached by ClinVar (database versions not stated): ExAC 0.00001; gnomAD 0.00001; TOPMed 0.00003.

Submission:

Labcorp Genetics (formerly Invitae), Labcorp
Classification: Uncertain significance. Last evaluated: 2023-07-21. Review status: criteria provided, single submitter. Criteria: Invitae Variant Classification Sherloc (09022015). Collection method: clinical testing. Allele origin: germline.
Comment: This sequence change replaces glycine, which is neutral and non-polar, with aspartic acid, which is acidic and polar, at codon 541 of the MCM3AP protein (p.Gly541Asp). This variant is present in population databases (rs773664970, gnomAD 0.007%). In summary, the available evidence is currently insufficient to determine the role of this variant in disease. Therefore, it has been classified as a Variant of Uncertain Significance. An algorithm developed to predict the effect of missense changes on protein structure and function (PolyPhen-2) suggests that this variant is likely to be tolerated. ClinVar contains an entry for this variant (Variation ID: 1380451). This variant has not been reported in the literature in individuals affected with MCM3AP-related conditions.